The following is an entry in ClinVar:

ClinVar aggregate classification (germline): Uncertain significance (1 of 4 stars; one submission).

Conditions:
Dyskeratosis congenita. Identifiers: Orphanet 1775, MedGen C0265965, MONDO:0015780.

Submission:

Ambry Genetics
Classification: Uncertain significance for Dyskeratosis congenita. Last evaluated: 2022-03-16. Review status: criteria provided, single submitter. Criteria: Ambry Variant Classification Scheme 2023. Collection method: clinical testing. Allele origin: germline.
Comment: The p.D105G variant (also known as c.314A>G), located in coding exon 2 of the TERT gene, results from an A to G substitution at nucleotide position 314. The aspartic acid at codon 105 is replaced by glycine, an amino acid with similar properties. This amino acid position is conserved. In addition, the in silico prediction for this alteration is inconclusive. Since supporting evidence is limited at this time, the clinical significance of this alteration remains unclear.

NM_198253.3(TERT):c.314A>G (p.Asp105Gly)

Gene: TERT (telomerase reverse transcriptase; minus strand). Cytogenetic location: 5p15.33.
Variant type: single nucleotide variant.
Coding change: c.314A>G on transcript NM_198253.3 (MANE Select); coding-DNA position 314, A replaced by G.
Protein change: p.Asp105Gly; replaces aspartic acid 105 with glycine.
Molecular consequence: missense variant. On other transcripts: non-coding transcript variant (2).
Genome position (GRCh38, 1-based): chr5:1,294,572, T>C on the plus strand (A>G on the coding strand, the complement: TERT is on the minus strand). VCF-style: chr5-1294572-T-C. GRCh37 (hg19) VCF-style: chr5-1294687-T-C.
Other names: c.314A>G, p.Asp105Gly (NM_001193376.3, NM_003219.1); short protein forms D105G.
Identifiers: ClinVar variation 1728161 (VCV001728161.2), dbSNP rs2478429722, ClinGen allele CA359058359.
Genomic context (GRCh38, chr5:1,294,572, plus strand): 5'-TTGGGCAGGTAGCTGCGCACGCTGGTGGTGAAGGCCTCGGGGGGGCCCCCGCGGGCCCCG[T>C]CCAGCAGCGCGAAGCCGAAGGCCAGCACGTTCTTCGCGCCGCGCTCGCACAGCCTCTGCA-3'
Protein context (NP_937983.2, residues 95-115): NVLAFGFALL[Asp105Gly]GARGGPPEAF